The following is an entry in ClinVar:

ClinVar aggregate classification (germline): Uncertain significance. Review status: criteria provided, multiple submitters, no conflicts (2 of 4 stars). 2 submissions from 2 submitters: Uncertain significance (2). Last evaluated 2023-12-14.

Conditions:
Hereditary cancer-predisposing syndrome. Also called: Neoplastic Syndromes, Hereditary; Tumor predisposition; Hereditary Cancer Syndrome; Hereditary neoplastic syndrome. Identifiers: Orphanet 140162, MedGen C0027672, MeSH D009386, MONDO:0015356.
Familial cancer of breast. Also called: BREAST CANCER, FAMILIAL; Hereditary breast cancer; hereditary breast carcinoma. Identifiers: Orphanet 227535, MedGen C0346153, MONDO:0016419, OMIM 114480. Disease mechanism: loss of function.

Allele frequency attached by ClinVar (database versions not stated): gnomAD 0.00001.
gnomAD v4.1: 1 of 1,614,068 alleles (0.000062%); no homozygotes.

Submissions (2):

Labcorp Genetics (formerly Invitae), Labcorp
Classification: Uncertain significance for Familial cancer of breast. Last evaluated: 2023-12-14. Review status: criteria provided, single submitter. Criteria: Invitae Variant Classification Sherloc (09022015). Collection method: clinical testing. Allele origin: germline.
Comment: This sequence change replaces glutamic acid, which is acidic and polar, with lysine, which is basic and polar, at codon 749 of the PALB2 protein (p.Glu749Lys). This variant is not present in population databases (gnomAD no frequency). This variant has not been reported in the literature in individuals affected with PALB2-related conditions. ClinVar contains an entry for this variant (Variation ID: 1788336). Advanced modeling of protein sequence and biophysical properties (such as structural, functional, and spatial information, amino acid conservation, physicochemical variation, residue mobility, and thermodynamic stability) performed at Invitae indicates that this missense variant is not expected to disrupt PALB2 protein function with a negative predictive value of 80%. In summary, the available evidence is currently insufficient to determine the role of this variant in disease. Therefore, it has been classified as a Variant of Uncertain Significance.

Ambry Genetics
Classification: Uncertain significance for Hereditary cancer-predisposing syndrome. Last evaluated: 2021-06-09. Review status: criteria provided, single submitter. Criteria: Ambry Variant Classification Scheme 2023. Collection method: clinical testing. Allele origin: germline.
Comment: The p.E749K variant (also known as c.2245G>A), located in coding exon 5 of the PALB2 gene, results from a G to A substitution at nucleotide position 2245. The glutamic acid at codon 749 is replaced by lysine, an amino acid with similar properties. This amino acid position is well conserved in available vertebrate species. In addition, this alteration is predicted to be tolerated by in silico analysis. Since supporting evidence is limited at this time, the clinical significance of this alteration remains unclear.

NM_024675.4(PALB2):c.2245G>A (p.Glu749Lys)

Gene: PALB2 (partner and localizer of BRCA2; minus strand). Cytogenetic location: 16p12.2.
Variant type: single nucleotide variant.
Coding change: c.2245G>A on transcript NM_024675.4 (MANE Select); coding-DNA position 2245, G replaced by A.
Protein change: p.Glu749Lys; replaces glutamic acid 749 with lysine.
Molecular consequence: missense variant.
Genome position (GRCh38, 1-based): chr16:23,629,909, C>T on the plus strand (G>A on the coding strand, the complement: PALB2 is on the minus strand). VCF-style: chr16-23629909-C-T. GRCh37 (hg19) VCF-style: chr16-23641230-C-T.
Other names: c.2185G>A, p.Glu729Lys (NM_001407296.1); c.2245G>A, p.Glu749Lys (NM_001407297.1, NM_001407298.1, NM_001407299.1 and 3 more transcripts); c.1360G>A, p.Glu454Lys (NM_001407304.1, NM_001407305.1, NM_001407306.1 and 5 more transcripts); c.457G>A, p.Glu153Lys (NM_001407312.1, NM_001407313.1); short protein forms E153K, E454K, E729K, E749K.
Identifiers: ClinVar variation 1788336 (VCV001788336.7), dbSNP rs1555460431, ClinGen allele CA395125488.